The following is an entry in ClinVar:

NM_014780.5(CUL7):c.97G>A (p.Asp33Asn)

Gene: CUL7 (cullin 7; minus strand). Cytogenetic location: 6p21.1.
Variant type: single nucleotide variant.
Coding change: c.97G>A on transcript NM_014780.5 (MANE Select); coding-DNA position 97, G replaced by A.
Protein change: p.Asp33Asn; replaces aspartic acid 33 with asparagine.
Molecular consequence: missense variant.
Genome position (GRCh38, 1-based): chr6:43,052,692, C>T on the plus strand (G>A on the coding strand, the complement: CUL7 is on the minus strand). VCF-style: chr6-43052692-C-T. GRCh37 (hg19) VCF-style: chr6-43020430-C-T.
Other names: c.97G>A, p.Asp33Asn (NM_001168370.2, NM_001374872.1, NM_001374873.1 and 1 more transcripts); short protein forms D33N.
Identifiers: ClinVar variation 2633441 (VCV002633441.1), dbSNP rs747064474, ClinGen allele CA364230852.

ClinVar aggregate classification (germline): Uncertain significance (1 of 4 stars; one submission).

Conditions:
CUL7-related disorder. Also called: CUL7-related condition.

Submission:

PreventionGenetics, part of Exact Sciences
Classification: Uncertain significance for CUL7-related condition. Last evaluated: 2023-04-11. Review status: criteria provided, single submitter. Criteria: ACMG Guidelines, 2015. Collection method: clinical testing. Allele origin: germline.
Comment: The CUL7 c.97G>A variant is predicted to result in the amino acid substitution p.Asp33Asn. To our knowledge, this variant has not been reported in the literature or in a large population database, indicating this variant is rare. At this time, the clinical significance of this variant is uncertain due to the absence of conclusive functional and genetic evidence.